The following is an entry in ClinVar:

ClinVar aggregate classification (germline): Uncertain significance (1 of 4 stars; one submission).

Submission:

Women's Health and Genetics/Laboratory Corporation of America, LabCorp
Classification: Uncertain significance. Last evaluated: 2018-01-22. Review status: criteria provided, single submitter. Criteria: LabCorp Variant Classification Summary - May 2015. Collection method: clinical testing. Allele origin: germline.
Comment: Variant summary: The BRAF c.711+4T>C variant involves the alteration of a non-conserved intronic nucleotide. Though one in silico tool predicts a damaging outcome for this variant, 5/5 splice prediction tools predict no significant impact on normal splicing. However, these predictions have yet to be confirmed by functional studies. This variant is absent in 244692 control chromosomes. The variant of interest has not, to our knowledge, been reported in affected individuals via publications and/or reputable databases/clinical diagnostic laboratories; nor evaluated for functional impact by in vivo/vitro studies. Because of the absence of clinical information and the lack of functional studies, the variant is classified as a variant of uncertain significance (VUS) until additional information becomes available.

NM_004333.6(BRAF):c.711+4T>C

Gene: BRAF (B-Raf proto-oncogene, serine/threonine kinase; minus strand). Cytogenetic location: 7q34.
Variant type: single nucleotide variant.
Coding change: c.711+4T>C on transcript NM_004333.6 (MANE Select); 4 bases into the intron after coding-DNA position 711, T replaced by C.
Molecular consequence: intron variant.
Genome position (GRCh38, 1-based): chr7:140,807,956, A>G on the plus strand (T>C on the coding strand, the complement: BRAF is on the minus strand). VCF-style: chr7-140807956-A-G. GRCh37 (hg19) VCF-style: chr7-140507756-A-G.
Other names: c.711+4T>C (NM_001378474.1, NM_001378471.1, NM_001378468.1 and 4 more transcripts); c.609+4T>C (NM_001378470.1); c.447+4T>C (NM_001378475.1); c.720+4T>C (NM_001378467.1); c.555+4T>C (NM_001378472.1, NM_001378473.1).
Identifiers: ClinVar variation 632675 (VCV000632675.1), dbSNP rs1562969586, ClinGen allele CA913189476.